The following is an entry in ClinVar:

NM_001283009.2(RTEL1):c.338C>T (p.Ser113Phe)

Genes: RTEL1 (regulator of telomere elongation helicase 1; plus strand), RTEL1-TNFRSF6B (RTEL1-TNFRSF6B readthrough (NMD candidate); plus strand). Cytogenetic location: 20q13.33.
Variant type: single nucleotide variant.
Coding change: c.338C>T on transcript NM_001283009.2 (MANE Select); coding-DNA position 338, C replaced by T.
Protein change: p.Ser113Phe; replaces serine 113 with phenylalanine.
Molecular consequence: missense variant. On other transcripts: non-coding transcript variant (1), 5 prime UTR variant (1).
Genome position (GRCh38, 1-based): chr20:63,661,886, C>T. VCF-style: chr20-63661886-C-T. GRCh37 (hg19) VCF-style: chr20-62293239-C-T.
Other names: c.-332C>T (NM_001283010.1); c.338C>T, p.Ser113Phe (NM_016434.4, NM_032957.5); short protein forms S113F.
Identifiers: ClinVar variation 3791082 (VCV003791082.1).
Genomic context (GRCh38, chr20:63,661,886, plus strand): 5'-CTGTGCTTGCTTGTGTCTGGTCAGCTTGCTACACGGACATCCCAAAGATTATTTACGCCT[C>T]CAGGACCCACTCGCAACTCACACAGGTCATCAACGAGCTTCGGAACACCTCCTACCGGTG-3'
Protein context (NP_001269938.1, residues 103-123): YTDIPKIIYA[Ser113Phe]RTHSQLTQVI

ClinVar aggregate classification (germline): Uncertain significance (1 of 4 stars; one submission).

Conditions:
Inborn genetic diseases. Identifiers: MedGen C0950123, MeSH D030342.

Submission:

Ambry Genetics
Classification: Uncertain significance for Inborn genetic diseases. Last evaluated: 2025-01-21. Review status: criteria provided, single submitter. Criteria: Ambry Variant Classification Scheme 2023. Collection method: clinical testing. Allele origin: germline.
Comment: The p.S113F variant (also known as c.338C>T), located in coding exon 3 of the RTEL1 gene, results from a C to T substitution at nucleotide position 338. The serine at codon 113 is replaced by phenylalanine, an amino acid with highly dissimilar properties. This amino acid position is conserved. In addition, this alteration is predicted to be deleterious by in silico analysis. Based on the available evidence, the clinical significance of this variant remains unclear.